The following is an entry in ClinVar:

ClinVar aggregate classification (germline): Likely pathogenic (1 of 4 stars; one submission).

Conditions:
Pili torti-developmental delay-neurological abnormalities syndrome. Identifiers: Orphanet 2891, MedGen C1849811, MONDO:0009871, OMIM 261990.

Submission:

First Genomix Gene Laboratory, Genetic Diagnostics Department
Classification: Likely pathogenic for Pili torti-developmental delay-neurological abnormalities syndrome. Last evaluated: 2025-08-20. Review status: criteria provided, single submitter. Criteria: ACMG Guidelines, 2015. Collection method: clinical testing. Allele origin: germline. Inheritance: Autosomal recessive inheritance. Affected: no. Observed: 1 variant allele.

NM_001098672.2(HEPHL1):c.5del (p.Pro2fs)

Gene: HEPHL1 (hephaestin like 1; plus strand). Cytogenetic location: 11q21.
Variant type: Deletion.
Coding change: c.5del on transcript NM_001098672.2 (MANE Select); coding-DNA position 5, one base deleted (C; older notation c.5delC).
Protein change: p.Pro2fs; shifts the reading frame from proline 2.
Molecular consequence: frameshift variant.
Genome position (GRCh38, 1-based): chr11:94,021,373, C deleted; the last of 2 consecutive C bases (chr11:94,021,372-94,021,373); deleting either gives the same sequence. VCF-style (leftmost placement, unchanged base first): chr11-94021371-GC-G. GRCh37 (hg19) VCF-style: chr11-93754537-GC-G.
Other names: c.5delC (NM_001098672.2); short protein forms P2fs.
Identifiers: ClinVar variation 4850227 (VCV004850227.1).